The following is an entry in ClinVar:

ClinVar aggregate classification (germline): Uncertain significance (1 of 4 stars; one submission).

Submission:

Labcorp Genetics (formerly Invitae), Labcorp
Classification: Uncertain significance. Last evaluated: 2023-04-05. Review status: criteria provided, single submitter. Criteria: Invitae Variant Classification Sherloc (09022015). Collection method: clinical testing. Allele origin: germline.
Comment: This variant has not been reported in the literature in individuals affected with EYS-related conditions. In summary, the available evidence is currently insufficient to determine the role of this variant in disease. Therefore, it has been classified as a Variant of Uncertain Significance. Experimental studies and prediction algorithms are not available or were not evaluated, and the functional significance of this variant is currently unknown. ClinVar contains an entry for this variant (Variation ID: 1477127). This variant is not present in population databases (gnomAD no frequency). This variant occurs in a non-coding region of the EYS gene. It does not change the encoded amino acid sequence of the EYS protein.

NM_001142800.2(EYS):c.-430_-428del

Gene: EYS (EGF-like photoreceptor maintenance factor; minus strand). Cytogenetic location: 6q12.
Variant type: Deletion.
Coding change: c.-430_-428del on transcript NM_001142800.2 (MANE Select); 430 bases upstream of the start codon through 428 bases upstream of the start codon, 3 bases deleted (CTC; older notation c.-430_-428delCTC).
Molecular consequence: 5 prime UTR variant.
Genome position (GRCh38, 1-based): chr6:65,639,873-65,639,875, GAG deleted on the plus strand (CTC on the coding strand, the reverse complement: EYS is on the minus strand). VCF-style (leftmost placement, unchanged base first): chr6-65639872-AGAG-A. GRCh37 (hg19) VCF-style: chr6-66349765-AGAG-A.
Other names: c.-430_-428del (NM_001142801.2, NM_001292009.2).
Identifiers: ClinVar variation 1477127 (VCV001477127.6), dbSNP rs2149812938, ClinGen allele CA2573141050.
Genomic context (GRCh38, chr6:65,639,872, plus strand): 5'-AGTGTTTTATTTGCTAAATAAATATGGAGCAGAGGATCCAGACTTGACTCCCCAGGTGTA[AGAG>A]AAGAGTGAGGCACAAAGCTGGAAAAAAAGAAATAAGAAAAATTATTTTATCTTTCAGTTT-3'